The following is an entry in ClinVar:

NC_000003.11:g.(?_33149240)_(33156004_?)del

Gene: CRTAP (cartilage associated protein; plus strand). Cytogenetic location: 3p22.3.
Variant type: Deletion.
Identifiers: ClinVar variation 3246883 (VCV003246883.1).

ClinVar aggregate classification (germline): Pathogenic (1 of 4 stars; one submission).

Conditions:
Osteogenesis imperfecta type 7 (OI7). Also called: OI type 7; OI type VII; OSTEOGENESIS IMPERFECTA, TYPE IIB; Osteogenesis imperfecta type 2B; OI type 2B; Osteogenesis imperfecta, perinatal lethal autosomal recessive. Identifiers: MedGen C1853162, MONDO:0012536, OMIM 610682.

Submission:

Labcorp Genetics (formerly Invitae), Labcorp
Classification: Pathogenic for Osteogenesis imperfecta type 7. Last evaluated: 2023-07-19. Review status: criteria provided, single submitter. Criteria: Invitae Variant Classification Sherloc (09022015). Collection method: clinical testing. Allele origin: unknown.
Comment: For these reasons, this variant has been classified as Pathogenic. This variant has not been reported in the literature in individuals affected with CRTAP-related conditions. This variant results in the deletion of part of exon 1 (c.-6330_435del) of the CRTAP gene. It is expected to result in an absent or disrupted protein product. Loss-of-function variants in CRTAP are known to be pathogenic (PMID: 17055431, 19862557, 24715559).

Literature cited by the submitters: PubMed 17055431; PubMed 19862557; PubMed 24715559.